The following is an entry in ClinVar:

ClinVar aggregate classification (germline): Benign (1 of 4 stars; one submission).

Allele frequency attached by ClinVar (database versions not stated): gnomAD 0.23841 and 0.24199; TOPMed 0.24663; 1000 Genomes Project 0.26458; 1000 Genomes Project 30x 0.27186.

Submission:

GeneDx
Classification: Benign. Last evaluated: 2018-06-14. Review status: criteria provided, single submitter. Criteria: GeneDx Variant Classification (06012015). Collection method: clinical testing. Allele origin: germline. Affected: yes.
Comment: This variant is considered likely benign or benign based on one or more of the following criteria: it is a conservative change, it occurs at a poorly conserved position in the protein, it is predicted to be benign by multiple in silico algorithms, and/or has population frequency not consistent with disease.

NM_000540.3(RYR1):c.5815-227T>C

Gene: RYR1 (ryanodine receptor 1; plus strand). Cytogenetic location: 19q13.2.
Variant type: single nucleotide variant.
Coding change: c.5815-227T>C on transcript NM_000540.3 (MANE Select); 227 bases into the intron before coding-DNA position 5815, T replaced by C.
Molecular consequence: intron variant.
Genome position (GRCh38, 1-based): chr19:38,489,849, T>C. VCF-style: chr19-38489849-T-C. GRCh37 (hg19) VCF-style: chr19-38980489-T-C.
Other names: c.5815-227T>C (NM_001042723.2).
Identifiers: ClinVar variation 669195 (VCV000669195.1), dbSNP rs11882920, ClinGen allele CA14715179.
Genomic context (GRCh38, chr19:38,489,849, plus strand): 5'-CAGCTAATTTTTTGTATTTTTAGTAGAGATGGGGTTTCGCCATGTTGGCCAGGCTGGTCT[T>C]GAACTCCTGACTTCAGGTGATCCACCCACCTCGGCCTCCCAAAATGCTGGGATTACAGGC-3'